The following is an entry in ClinVar:

ClinVar aggregate classification (germline): Uncertain significance (1 of 4 stars; one submission).

Allele frequency attached by ClinVar (database versions not stated): gnomAD exomes below 0.00001.
gnomAD v4.1: 1 of 1,585,086 alleles (0.000063%); highest among the groups gnomAD compares: Admixed American, 0.0017%; no homozygotes.

Submission:

Labcorp Genetics (formerly Invitae), Labcorp
Classification: Uncertain significance. Last evaluated: 2023-12-07. Review status: criteria provided, single submitter. Criteria: Invitae Variant Classification Sherloc (09022015). Collection method: clinical testing. Allele origin: germline.
Comment: This sequence change replaces proline, which is neutral and non-polar, with leucine, which is neutral and non-polar, at codon 56 of the C9 protein (p.Pro56Leu). This variant is present in population databases (no rsID available, gnomAD 0.003%). This variant has not been reported in the literature in individuals affected with C9-related conditions. ClinVar contains an entry for this variant (Variation ID: 1936111). Advanced modeling of protein sequence and biophysical properties (such as structural, functional, and spatial information, amino acid conservation, physicochemical variation, residue mobility, and thermodynamic stability) performed at Invitae indicates that this missense variant is expected to disrupt C9 protein function with a positive predictive value of 80%. In summary, the available evidence is currently insufficient to determine the role of this variant in disease. Therefore, it has been classified as a Variant of Uncertain Significance.

NM_001737.5(C9):c.167C>T (p.Pro56Leu)

Gene: C9 (complement C9; minus strand). Cytogenetic location: 5p13.1.
Variant type: single nucleotide variant.
Coding change: c.167C>T on transcript NM_001737.5 (MANE Select); coding-DNA position 167, C replaced by T.
Protein change: p.Pro56Leu; replaces proline 56 with leucine.
Molecular consequence: missense variant.
Genome position (GRCh38, 1-based): chr5:39,342,107, G>A on the plus strand (C>T on the coding strand, the complement: C9 is on the minus strand). VCF-style: chr5-39342107-G-A. GRCh37 (hg19) VCF-style: chr5-39342209-G-A.
Other names: short protein forms P56L.
Identifiers: ClinVar variation 1936111 (VCV001936111.3), dbSNP rs1454506589, ClinGen allele CA359563902.
Genomic context (GRCh38, chr5:39,342,107, plus strand): 5'-TTTCCATTTGGGGAGGTCAGTGGGGAAGGGAGATGAACACTTACCATTTGTCTGAGACAA[G>A]GATCGCATTGTGACCATTCACTCCAGGGGCTCATTCTGCAGTCTATGTGTGATGCAGAGC-3'
Protein context (NP_001728.1, residues 46-66): SPWSEWSQCD[Pro56Leu]CLRQMFRSRS